The following is an entry in ClinVar:

ClinVar aggregate classification (germline): Uncertain significance (1 of 4 stars; one submission).

Submission:

Women's Health and Genetics/Laboratory Corporation of America, LabCorp
Classification: Uncertain significance. Last evaluated: 2024-08-26. Review status: criteria provided, single submitter. Criteria: LabCorp Variant Classification Summary - May 2015. Collection method: clinical testing. Allele origin: germline.
Comment: Variant summary: PEX16 c.692A>G (p.His231Arg) results in a non-conservative amino acid change in the encoded protein sequence. Four of five in-silico tools predict a damaging effect of the variant on protein function. Consensus agreement among computation tools predict no significant impact on normal splicing. However, these predictions have yet to be confirmed by functional studies. The variant was absent in 249954 control chromosomes. c.692A>G has been reported in the literature in individuals affected with Peroxisome Biogenesis Disorders, Zellweger Syndrome Spectrum (Cheung_2022). These data indicate that the variant may be associated with disease. To our knowledge, no experimental evidence demonstrating an impact on protein function has been reported. The following publication have been ascertained in the context of this evaluation (PMID: 35106698). No submitters have cited clinical-significance assessments for this variant to ClinVar. Based on the evidence outlined above, the variant was classified as VUS-possibly pathogenic.

Literature cited by the submitters: PubMed 35106698.

NM_004813.4(PEX16):c.692A>G (p.His231Arg)

Gene: PEX16 (peroxisomal biogenesis factor 16; minus strand). Cytogenetic location: 11p11.2.
Variant type: single nucleotide variant.
Coding change: c.692A>G on transcript NM_004813.4 (MANE Select); coding-DNA position 692, A replaced by G.
Protein change: p.His231Arg; replaces histidine 231 with arginine.
Molecular consequence: missense variant.
Genome position (GRCh38, 1-based): chr11:45,914,318, T>C on the plus strand (A>G on the coding strand, the complement: PEX16 is on the minus strand). VCF-style: chr11-45914318-T-C. GRCh37 (hg19) VCF-style: chr11-45935869-T-C.
Other names: c.692A>G, p.His231Arg (NM_057174.3); short protein forms H231R.
Identifiers: ClinVar variation 3366591 (VCV003366591.1).